The following is an entry in ClinVar:

NM_000057.4(BLM):c.2990A>G (p.Asp997Gly)

Gene: BLM (BLM RecQ like helicase; plus strand). Cytogenetic location: 15q26.1.
Variant type: single nucleotide variant.
Coding change: c.2990A>G on transcript NM_000057.4 (MANE Select); coding-DNA position 2990, A replaced by G.
Protein change: p.Asp997Gly; replaces aspartic acid 997 with glycine.
Molecular consequence: missense variant.
Genome position (GRCh38, 1-based): chr15:90,790,815, A>G. VCF-style: chr15-90790815-A-G. GRCh37 (hg19) VCF-style: chr15-91334045-A-G.
Other names: c.1865A>G, p.Asp622Gly (NM_001287248.2); c.2990A>G, p.Asp997Gly (NM_001287246.2, NM_001287247.2); short protein forms D622G, D997G.
Identifiers: ClinVar variation 1798516 (VCV001798516.2), dbSNP rs2505516990, ClinGen allele CA393846568.

ClinVar aggregate classification (germline): Uncertain significance (1 of 4 stars; one submission).

Conditions:
Hereditary cancer-predisposing syndrome. Also called: Neoplastic Syndromes, Hereditary; Tumor predisposition; Hereditary Cancer Syndrome; Hereditary neoplastic syndrome. Identifiers: Orphanet 140162, MedGen C0027672, MeSH D009386, MONDO:0015356.

Submission:

Ambry Genetics
Classification: Uncertain significance for Hereditary cancer-predisposing syndrome. Last evaluated: 2021-11-03. Review status: criteria provided, single submitter. Criteria: Ambry Variant Classification Scheme 2023. Collection method: clinical testing. Allele origin: germline.
Comment: The p.D997G variant (also known as c.2990A>G), located in coding exon 14 of the BLM gene, results from an A to G substitution at nucleotide position 2990. The aspartic acid at codon 997 is replaced by glycine, an amino acid with similar properties. This amino acid position is conserved. In addition, this alteration is predicted to be deleterious by in silico analysis. Since supporting evidence is limited at this time, the clinical significance of this alteration remains unclear.